The following is an entry in ClinVar:

NM_004333.6(BRAF):c.1741+8T>C

Gene: BRAF (B-Raf proto-oncogene, serine/threonine kinase; minus strand). Cytogenetic location: 7q34.
Variant type: single nucleotide variant.
Coding change: c.1741+8T>C on transcript NM_004333.6 (MANE Select); 8 bases into the intron after coding-DNA position 1741, T replaced by C.
Molecular consequence: intron variant.
Genome position (GRCh38, 1-based): chr7:140,754,179, A>G on the plus strand (T>C on the coding strand, the complement: BRAF is on the minus strand). VCF-style: chr7-140754179-A-G. GRCh37 (hg19) VCF-style: chr7-140453979-A-G.
Other names: c.1741+8T>C (NM_001378474.1, NM_001378468.1, NM_001354609.2); c.1639+8T>C (NM_001378470.1); c.1477+8T>C (NM_001378475.1); c.1630+8T>C (NM_001378471.1); c.1861+8T>C (NM_001374258.1, NM_001374244.1); c.1750+8T>C (NM_001378467.1); c.1585+8T>C (NM_001378472.1, NM_001378473.1); c.1675+8T>C (NM_001378469.1).
Identifiers: ClinVar variation 2742579 (VCV002742579.3), dbSNP rs2536006672, ClinGen allele CA2685224371.
Genomic context (GRCh38, chr7:140,754,179, plus strand): 5'-GAAGACAAAATGCAGAAGAAAAAGTCAGGATGTTTTCAAACTTCGCAGACAAATTTCAGG[A>G]AGGATACTATTACTCTTGAGGTCTCTGTGGATGATTGACTTGGCGTGTAAGTAACTGAAA-3'

ClinVar aggregate classification (germline): Uncertain significance (1 of 4 stars; one submission).

Conditions:
RASopathy. Also called: rasopathies; Noonan spectrum disorder. Identifiers: Orphanet 536391, MedGen C5555857, MONDO:0021060.

Allele frequency attached by ClinVar (database versions not stated): gnomAD exomes 0.00001.
gnomAD v4.1: 8 of 1,612,786 alleles (0.0005%); highest among the groups gnomAD compares: Non-Finnish European, 0.00059%; no homozygotes.

Submission:

Labcorp Genetics (formerly Invitae), Labcorp
Classification: Uncertain significance for RASopathy. Last evaluated: 2025-10-13. Review status: criteria provided, single submitter. Criteria: Invitae Variant Classification Sherloc (09022015). Collection method: clinical testing. Allele origin: germline.
Comment: This sequence change falls in intron 14 of the BRAF gene. It does not directly change the encoded amino acid sequence of the BRAF protein. This variant is not present in population databases (gnomAD no frequency). This variant has not been reported in the literature in individuals affected with BRAF-related conditions. ClinVar contains an entry for this variant (Variation ID: 2742579). Algorithms developed to predict the effect of sequence changes on RNA splicing suggest that this variant may disrupt the consensus splice site. In summary, the available evidence is currently insufficient to determine the role of this variant in disease. Therefore, it has been classified as a Variant of Uncertain Significance.